The following is an entry in ClinVar:

NM_000410.4(HFE):c.615A>G (p.Gln205=)

Gene: HFE (homeostatic iron regulator; plus strand). Cytogenetic location: 6p22.2.
Variant type: single nucleotide variant.
Coding change: c.615A>G on transcript NM_000410.4 (MANE Select); coding-DNA position 615, A replaced by G.
Protein change: p.Gln205=; no amino-acid change (glutamine 205 retained).
Molecular consequence: synonymous variant. On other transcripts: intron variant (4).
Genome position (GRCh38, 1-based): chr6:26,091,588, A>G. VCF-style: chr6-26091588-A-G. GRCh37 (hg19) VCF-style: chr6-26091816-A-G.
Other names: c.615A>G, p.Gln205= (NM_001300749.3, NM_001384164.1, NM_001406751.1 and 1 more transcripts); c.351A>G, p.Gln117= (NM_001406752.1, NM_139007.3, NM_139008.3); c.546A>G, p.Gln182= (NM_139009.3); c.340+484A>G (NM_139004.3, NM_139003.3); c.77-1097A>G (NM_139010.3); c.77-1531A>G (NM_139011.3).
Identifiers: ClinVar variation 4737324 (VCV004737324.1).

ClinVar aggregate classification (germline): Uncertain significance (1 of 4 stars; one submission).

Conditions:
Hereditary hemochromatosis (HFE). Identifiers: MedGen C0392514, MONDO:0006507. Disease mechanism: loss of function.

Submission:

Labcorp Genetics (formerly Invitae), Labcorp
Classification: Uncertain significance for Hereditary hemochromatosis. Last evaluated: 2026-01-16. Review status: criteria provided, single submitter. Criteria: Invitae Variant Classification Sherloc (09022015). Collection method: clinical testing. Allele origin: germline.
Comment: This sequence change affects codon 205 of the HFE mRNA. It is a 'silent' change, meaning that it does not change the encoded amino acid sequence of the HFE protein. It affects a nucleotide within the consensus splice site. This variant is not present in population databases (gnomAD no frequency). This variant has not been reported in the literature in individuals affected with HFE-related conditions. Algorithms developed to predict the effect of sequence changes on RNA splicing suggest that this variant may disrupt the consensus splice site. In summary, the available evidence is currently insufficient to determine the role of this variant in disease. Therefore, it has been classified as a Variant of Uncertain Significance.